The following is an entry in ClinVar:

NM_138701.4(MPLKIP):c.135C>G (p.Tyr45Ter)

Gene: MPLKIP (M-phase specific PLK1 interacting protein; minus strand). Cytogenetic location: 7p14.1.
Variant type: single nucleotide variant.
Coding change: c.135C>G on transcript NM_138701.4 (MANE Select); coding-DNA position 135, C replaced by G.
Protein change: p.Tyr45Ter; replaces tyrosine 45 with a stop codon.
Molecular consequence: nonsense.
Genome position (GRCh38, 1-based): chr7:40,134,433, G>C on the plus strand (C>G on the coding strand, the complement: MPLKIP is on the minus strand). VCF-style: chr7-40134433-G-C. GRCh37 (hg19) VCF-style: chr7-40174032-G-C.
Other names: p.Tyr45Ter; short protein forms Y45*.
Identifiers: ClinVar variation 3255600 (VCV003255600.3).

ClinVar aggregate classification (germline): Pathogenic/Likely pathogenic. Review status: criteria provided, multiple submitters, no conflicts (2 of 4 stars). 2 submissions from 2 submitters: Pathogenic (1); Likely pathogenic (1). Last evaluated 2023-09-20.

Conditions:
Trichothiodystrophy 4, nonphotosensitive. Also called: AMISH BRITTLE HAIR BRAIN SYNDROME; BIDS SYNDROME; HAIR-BRAIN SYNDROME; Trichothiodystrophy nonphotosensitive. Identifiers: MedGen C1313961, MONDO:0021013, OMIM 234050.

gnomAD v4.1: 2 of 1,566,338 alleles (0.00013%); highest among the groups gnomAD compares: South Asian, 0.0023%; no homozygotes.

Submissions (2):

3billion
Classification: Pathogenic for Trichothiodystrophy 4, nonphotosensitive. Last evaluated: 2023-09-20. Review status: criteria provided, single submitter. Criteria: ACMG Guidelines, 2015. Collection method: clinical testing. Allele origin: germline. Affected: yes.
Comment: The variant is not observed in the gnomAD v2.1.1 dataset. Predicted Consequence/Location: Stop-gained (nonsense): predicted to result in a loss or disruption of normal protein function through nonsense-mediated decay (NMD) or protein truncation. Multiple pathogenic variants are reported downstream of the variant. Therefore, this variant is classified as Pathogenic according to the recommendation of ACMG/AMP guideline.

Breakthrough Genomics
Classification: Likely pathogenic for Trichothiodystrophy 4, nonphotosensitive. Last evaluated: 2020-11-26. Review status: criteria provided, single submitter. Criteria: ACMG Guidelines, 2015. Collection method: clinical testing. Allele origin: germline. Affected: yes.
Comment: This variant is predicted to cause a premature termination of the protein and the truncated protein will likely to lack the c-terminal part of the protein; this will likely result in loss-of-function. Due to the introduction of a premature stop codon, this aberrant transcript will likely be targeted by the nonsense-mediated mRNA decay (NMD) mechanism [PMID: 15040442]. The variant seems to be a novel variant, as it has not been previously reported in population databases or in the literature. However, several other truncating variants lying downstream of the identified variant, have been previously reported as ‘pathogenic’ in the ClinVar database context of trichothiodystrophy, nonphotosensitive 1.